The following is an entry in ClinVar:

NM_016030.6(TRAPPC12):c.1233C>T (p.Tyr411=)

Gene: TRAPPC12 (trafficking protein particle complex subunit 12; plus strand). Cytogenetic location: 2p25.3.
Variant type: single nucleotide variant.
Coding change: c.1233C>T on transcript NM_016030.6 (MANE Select); coding-DNA position 1233, C replaced by T.
Protein change: p.Tyr411=; no amino-acid change (tyrosine 411 retained).
Molecular consequence: synonymous variant.
Genome position (GRCh38, 1-based): chr2:3,421,949, C>T. VCF-style: chr2-3421949-C-T. GRCh37 (hg19) VCF-style: chr2-3425720-C-T.
Other names: c.1233C>T, p.Tyr411= (NM_001321102.2).
Identifiers: ClinVar variation 2063722 (VCV002063722.8), dbSNP rs757367043, ClinGen allele CA1515357.
Genomic context (GRCh38, chr2:3,421,949, plus strand): 5'-AAACTGGAGGGCAGCAGTGGACCTGTGCGGACGTCTCCTCACAGCCCACGGCCAGGGCTA[C>T]GGCAAGAGCGGGCTGCTCACCAGCCACACGACAGATTCACTGCAGGTGAGAACACCTTTC-3'
Protein context (NP_057114.5, residues 401-421): GRLLTAHGQG[Tyr411=]GKSGLLTSHT

ClinVar aggregate classification (germline): Likely benign. Review status: criteria provided, multiple submitters, no conflicts (2 of 4 stars). 2 submissions from 2 submitters: Likely benign (2). Last evaluated 2026-01-01.

Allele frequency attached by ClinVar (database versions not stated): ExAC 0.00012; gnomAD 0.00016; TOPMed 0.00019; gnomAD exomes 0.00028.
gnomAD v4.1: 422 of 1,613,514 alleles (0.026%); highest among the groups gnomAD compares: Non-Finnish European, 0.032%; 1 homozygote.

Submissions (2):

CeGaT Center for Human Genetics Tuebingen
Classification: Likely benign. Last evaluated: 2026-01-01. Review status: criteria provided, single submitter. Criteria: CeGaT Center For Human Genetics Tuebingen Variant Classification Criteria Version 2. Collection method: clinical testing. Allele origin: germline. Affected: yes. Observed: 1 variant allele.
Comment: TRAPPC12: BP4, BP7

Labcorp Genetics (formerly Invitae), Labcorp
Classification: Likely benign. Last evaluated: 2024-03-15. Review status: criteria provided, single submitter. Criteria: Invitae Variant Classification Sherloc (09022015). Collection method: clinical testing. Allele origin: germline.